The following is an entry in ClinVar:

NM_001853.4(COL9A3):c.1461T>A (p.Gly487=)

Genes: COL9A3 (collagen type IX alpha 3 chain; plus strand), LOC126863084 (MED14-independent group 3 enhancer GRCh37_chr20:61467141-61468340; plus strand). Cytogenetic location: 20q13.33.
Variant type: single nucleotide variant.
Coding change: c.1461T>A on transcript NM_001853.4 (MANE Select); coding-DNA position 1461, T replaced by A.
Protein change: p.Gly487=; no amino-acid change (glycine 487 retained).
Molecular consequence: synonymous variant.
Genome position (GRCh38, 1-based): chr20:62,836,246, T>A. VCF-style: chr20-62836246-T-A. GRCh37 (hg19) VCF-style: chr20-61467598-T-A.
Other names: c.1461T>A, p.Gly487= (LRG_1253t1).
Identifiers: ClinVar variation 283370 (VCV000283370.28), dbSNP rs140973451, ClinGen allele CA9949994.

ClinVar aggregate classification (germline): Likely benign. Review status: criteria provided, multiple submitters, no conflicts (2 of 4 stars). 8 submissions from 8 submitters: Likely benign (7). 1 of the submissions does not count toward it. Last evaluated 2026-01-26.

Conditions:
COL9A3-related disorder. Also called: COL9A3-related condition.

Allele frequency attached by ClinVar (database versions not stated): gnomAD 0.00020 and 0.00021; ESP Exome Variant Server 0.00023; gnomAD exomes 0.00026 and 0.00037; TOPMed 0.00027; ExAC 0.00036; 1000 Genomes Project 0.00060; 1000 Genomes Project 30x 0.00062.
gnomAD v4.1: 424 of 1,613,668 alleles (0.026%); highest among the groups gnomAD compares: Middle Eastern, 0.38%; 1 homozygote.

Submissions (8):

Women's Health and Genetics/Laboratory Corporation of America, LabCorp
Classification: Likely benign. Last evaluated: 2026-01-26. Review status: criteria provided, single submitter. Criteria: LabCorp Variant Classification Summary - May 2015. Collection method: clinical testing. Allele origin: germline.

Labcorp Genetics (formerly Invitae), Labcorp
Classification: Likely benign. Last evaluated: 2026-01-24. Review status: criteria provided, single submitter. Criteria: Invitae Variant Classification Sherloc (09022015). Collection method: clinical testing. Allele origin: germline.

CeGaT Center for Human Genetics Tuebingen
Classification: Likely benign. Last evaluated: 2026-01-01. Review status: criteria provided, single submitter. Criteria: CeGaT Center For Human Genetics Tuebingen Variant Classification Criteria Version 2. Collection method: clinical testing. Allele origin: germline. Affected: yes. Observed: 3 variant alleles.
Comment: COL9A3: BP4, BP7

Blueprint Genetics
Classification: Likely benign. Last evaluated: 2024-10-31. Review status: criteria provided, single submitter. Criteria: ACMG Guidelines, 2015. Collection method: clinical testing. Allele origin: germline.

GeneDx
Classification: Likely benign. Last evaluated: 2021-03-05. Review status: criteria provided, single submitter. Criteria: GeneDx Variant Classification Process June 2021. Collection method: clinical testing. Allele origin: germline. Affected: yes.

Eurofins Ntd Llc (ga)
Classification: Likely benign. Last evaluated: 2017-12-22. Review status: criteria provided, single submitter. Criteria: EGL Classification Definitions 2015. Collection method: clinical testing. Allele origin: germline. Observed: 3 variant alleles, 3 heterozygotes.

Breakthrough Genomics
Classification: Likely benign. Review status: criteria provided, single submitter. Criteria: ACMG Guidelines, 2015. Collection method: not provided. Allele origin: germline. Inheritance: Autosomal recessive inheritance. Affected: yes.

PreventionGenetics, part of Exact Sciences
Classification: Likely benign for COL9A3-related condition. Last evaluated: 2024-07-17. Review status: no assertion criteria provided. Collection method: clinical testing. Allele origin: germline. Not counted in ClinVar's aggregate classification.
Comment: This variant is classified as likely benign based on ACMG/AMP sequence variant interpretation guidelines (Richards et al. 2015 PMID: 25741868, with internal and published modifications).